The following is an entry in ClinVar:

ClinVar aggregate classification (germline): Uncertain significance (1 of 4 stars; one submission).

Conditions:
Specific granule deficiency. Identifiers: Orphanet 169142, MedGen C0398593, MONDO:0009506.

Allele frequency attached by ClinVar (database versions not stated): gnomAD exomes below 0.00001 and 0.00001; TOPMed below 0.00001; gnomAD 0.00001; 1000 Genomes Project 30x 0.00016; 1000 Genomes Project 0.00020.

Submission:

Labcorp Genetics (formerly Invitae), Labcorp
Classification: Uncertain significance for Specific granule deficiency. Last evaluated: 2021-12-08. Review status: criteria provided, single submitter. Criteria: Invitae Variant Classification Sherloc (09022015). Collection method: clinical testing. Allele origin: germline.
Comment: This sequence change replaces asparagine, which is neutral and polar, with aspartic acid, which is acidic and polar, at codon 201 of the CEBPE protein (p.Asn201Asp). This variant is not present in population databases (gnomAD no frequency). This variant has not been reported in the literature in individuals affected with CEBPE-related conditions. Algorithms developed to predict the effect of missense changes on protein structure and function are either unavailable or do not agree on the potential impact of this missense change (SIFT: "Tolerated"; PolyPhen-2: "Probably Damaging"; Align-GVGD: "Class C0"). In summary, the available evidence is currently insufficient to determine the role of this variant in disease. Therefore, it has been classified as a Variant of Uncertain Significance.

NM_001805.4(CEBPE):c.601A>G (p.Asn201Asp)

Gene: CEBPE (CCAAT enhancer binding protein epsilon; minus strand). Cytogenetic location: 14q11.2.
Variant type: single nucleotide variant.
Coding change: c.601A>G on transcript NM_001805.4 (MANE Select); coding-DNA position 601, A replaced by G.
Protein change: p.Asn201Asp; replaces asparagine 201 with aspartic acid.
Molecular consequence: missense variant.
Genome position (GRCh38, 1-based): chr14:23,117,732, T>C on the plus strand (A>G on the coding strand, the complement: CEBPE is on the minus strand). VCF-style: chr14-23117732-T-C. GRCh37 (hg19) VCF-style: chr14-23586941-T-C.
Other names: short protein forms N201D.
Identifiers: ClinVar variation 1389470 (VCV001389470.3), dbSNP rs201257734, ClinGen allele CA257743695.